The following is an entry in ClinVar:

ClinVar aggregate classification (germline): Uncertain significance (1 of 4 stars; one submission).

Submission:

GeneDx
Classification: Uncertain significance. Last evaluated: 2020-05-11. Review status: criteria provided, single submitter. Criteria: GeneDx Variant Classification Process June 2021. Collection method: clinical testing. Allele origin: germline. Affected: yes.
Comment: Not observed in large population cohorts (Lek et al., 2016); In silico analysis supports that this missense variant has a deleterious effect on protein structure/function; Has not been previously published as pathogenic or benign to our knowledge

NM_004069.6(AP2S1):c.181C>T (p.Arg61Cys)

Gene: AP2S1 (adaptor related protein complex 2 subunit sigma 1; minus strand). Cytogenetic location: 19q13.32.
Variant type: single nucleotide variant.
Coding change: c.181C>T on transcript NM_004069.6 (MANE Select); coding-DNA position 181, C replaced by T.
Protein change: p.Arg61Cys; replaces arginine 61 with cysteine.
Molecular consequence: missense variant. On other transcripts: intron variant (1).
Genome position (GRCh38, 1-based): chr19:46,839,551, G>A on the plus strand (C>T on the coding strand, the complement: AP2S1 is on the minus strand). VCF-style: chr19-46839551-G-A. GRCh37 (hg19) VCF-style: chr19-47342808-G-A.
Other names: c.229C>T, p.Arg77Cys (NM_001301076.3); c.223C>T, p.Arg75Cys (NM_001301078.3); c.187C>T, p.Arg63Cys (NM_001301081.3); c.154-752C>T (NM_021575.5); short protein forms R61C, R63C, R75C, R77C.
Identifiers: ClinVar variation 1212464 (VCV001212464.3), dbSNP rs2122759002, ClinGen allele CA406509186.